The following is an entry in ClinVar:

ClinVar aggregate classification (germline): Uncertain significance (1 of 4 stars; one submission).

Conditions:
Arrhythmogenic cardiomyopathy with wooly hair and keratoderma. Also called: Carvajal syndrome; PALMOPLANTAR KERATODERMA WITH LEFT VENTRICULAR CARDIOMYOPATHY AND WOOLLY HAIR; Dilated cardiomyopathy with woolly hair and keratoderma; Arrhythmogenic cardiomyopathy with woolly hair and keratoderma. Identifiers: Orphanet 65282, MedGen C1854063, MONDO:0011581, OMIM 605676.

Submission:

All of Us Research Program, National Institutes of Health
Classification: Uncertain significance for Arrhythmogenic cardiomyopathy with wooly hair and keratoderma. Last evaluated: 2024-08-08. Review status: criteria provided, single submitter. Criteria: ACMG Guidelines, 2015. Collection method: clinical testing. Allele origin: germline. Inheritance: Autosomal dominant inheritance. Observed: 1 variant allele, 1 heterozygote.
Comment: This study involves interpretation of variants in research participants for the purpose of population health screening. Participant phenotype was not available at the time of variant classification. Additional details can be found in publication PMID: 35346344, PMCID: PMC8962531

NM_004415.4(DSP):c.4283A>G (p.Glu1428Gly)

Gene: DSP (desmoplakin; plus strand). Cytogenetic location: 6p24.3.
Variant type: single nucleotide variant.
Coding change: c.4283A>G on transcript NM_004415.4 (MANE Select); coding-DNA position 4283, A replaced by G.
Protein change: p.Glu1428Gly; replaces glutamic acid 1428 with glycine.
Molecular consequence: missense variant. On other transcripts: intron variant (2).
Genome position (GRCh38, 1-based): chr6:7,580,473, A>G. VCF-style: chr6-7580473-A-G. GRCh37 (hg19) VCF-style: chr6-7580706-A-G.
Other names: c.4050+233A>G (NM_001319034.2); c.3582+701A>G (NM_001008844.3); short protein forms E1428G.
Identifiers: ClinVar variation 3386677 (VCV003386677.1).